The following is an entry in ClinVar:

NM_022436.3(ABCG5):c.1786A>G (p.Thr596Ala)

Genes: ABCG5 (ATP binding cassette subfamily G member 5; minus strand), DYNC2LI1 (dynein cytoplasmic 2 light intermediate chain 1; plus strand). Cytogenetic location: 2p21.
Variant type: single nucleotide variant.
Coding change: c.1786A>G on transcript NM_022436.3 (MANE Select); coding-DNA position 1786, A replaced by G.
Protein change: p.Thr596Ala; replaces threonine 596 with alanine.
Molecular consequence: missense variant. On other transcripts: intron variant (2).
Genome position (GRCh38, 1-based): chr2:43,813,286, T>C on the plus strand (A>G on the coding strand, the complement: ABCG5 is on the minus strand). VCF-style: chr2-43813286-T-C. GRCh37 (hg19) VCF-style: chr2-44040425-T-C.
Other names: p.Thr596Ala; c.*15+2762T>C (NM_001348913.2, NM_001348912.2); c.1786A>G (NM_022436.2); short protein forms T596A.
Identifiers: ClinVar variation 3380801 (VCV003380801.2).

ClinVar aggregate classification (germline): Uncertain significance. Review status: criteria provided, multiple submitters, no conflicts (2 of 4 stars). 2 submissions from 2 submitters: Uncertain significance (2). Last evaluated 2025-04-02.

Conditions:
Cardiovascular phenotype. Identifiers: MedGen CN230736.

gnomAD v4.1: 24 of 1,613,576 alleles (0.0015%); highest among the groups gnomAD compares: Admixed American, 0.02%; no homozygotes.

Submissions (2):

Ambry Genetics
Classification: Uncertain significance for Cardiovascular phenotype. Last evaluated: 2025-04-02. Review status: criteria provided, single submitter. Criteria: Ambry Variant Classification Scheme 2023. Collection method: clinical testing. Allele origin: germline.
Comment: The p.T596A variant (also known as c.1786A>G), located in coding exon 13 of the ABCG5 gene, results from an A to G substitution at nucleotide position 1786. The threonine at codon 596 is replaced by alanine, an amino acid with similar properties. This amino acid position is conserved. In addition, this alteration is predicted to be tolerated by in silico analysis. Based on the available evidence, the clinical significance of this variant remains unclear.

Mayo Clinic Laboratories, Mayo Clinic
Classification: Uncertain significance. Last evaluated: 2024-09-23. Review status: criteria provided, single submitter. Criteria: ACMG Guidelines, 2015. Collection method: clinical testing. Allele origin: germline. Observed: 1 variant allele.
Comment: BP4